The following is an entry in ClinVar:

ClinVar aggregate classification (germline): Conflicting classifications of pathogenicity. Review status: criteria provided, conflicting classifications (1 of 4 stars). 4 submissions from 4 submitters: Uncertain significance (2); Likely benign (2). Last evaluated 2026-06-26.

Allele frequency attached by ClinVar (database versions not stated): gnomAD exomes 0.00002 and 0.00005; gnomAD 0.00006; ExAC 0.00010; TOPMed 0.00012; 1000 Genomes Project 30x 0.00016; 1000 Genomes Project 0.00020.
gnomAD v4.1: 49 of 1,603,362 alleles (0.0031%); highest among the groups gnomAD compares: African/African-American, 0.024%; 1 homozygote.

Submissions (4):

GeneDx
Classification: Uncertain significance. Last evaluated: 2026-06-26. Review status: criteria provided, single submitter. Criteria: GeneDx Variant Classification Process June 2021. Collection method: clinical testing. Allele origin: germline.
Comment: In silico analysis supports that this missense variant has a deleterious effect on protein structure/function; Has not been previously published as pathogenic or benign to our knowledge

Labcorp Genetics (formerly Invitae), Labcorp
Classification: Likely benign. Last evaluated: 2025-12-23. Review status: criteria provided, single submitter. Criteria: Invitae Variant Classification Sherloc (09022015). Collection method: clinical testing. Allele origin: germline.

Laboratory for Molecular Medicine, Mass General Brigham Personalized Medicine
Classification: Likely benign. Last evaluated: 2020-04-06. Review status: criteria provided, single submitter. Criteria: LMM Criteria. Collection method: clinical testing. Allele origin: germline. Observed: 1 variant allele.
Comment: The p.Arg787Cys variant in OTOF is classified as likely benign due to a lack of conservation across species. 3 mammals (squirrel, dolphin, killer whale) carry a cysteine (Cys) at this position despite high nearby amino acid conservation. ACMG/AMP Criteria applied: BP4_Strong.

Eurofins Ntd Llc (ga)
Classification: Uncertain significance. Last evaluated: 2017-01-18. Review status: criteria provided, single submitter. Criteria: EGL Classification Definitions 2015. Collection method: clinical testing. Allele origin: germline. Observed: 1 variant allele, 1 heterozygote.

NM_194248.3(OTOF):c.2359C>T (p.Arg787Cys)

Gene: OTOF (otoferlin; minus strand). Cytogenetic location: 2p23.3.
Variant type: single nucleotide variant.
Coding change: c.2359C>T on transcript NM_194248.3 (MANE Select); coding-DNA position 2359, C replaced by T.
Protein change: p.Arg787Cys; replaces arginine 787 with cysteine.
Molecular consequence: missense variant.
Genome position (GRCh38, 1-based): chr2:26,477,463, G>A on the plus strand (C>T on the coding strand, the complement: OTOF is on the minus strand). VCF-style: chr2-26477463-G-A. GRCh37 (hg19) VCF-style: chr2-26700331-G-A.
Other names: c.2359C>T, p.Arg787Cys (NM_001287489.2); c.118C>T, p.Arg40Cys (NM_004802.4, NM_194323.3); c.289C>T, p.Arg97Cys (NM_194322.3); short protein forms R787C, R40C, R97C.
Identifiers: ClinVar variation 499487 (VCV000499487.14), dbSNP rs574277214, ClinGen allele CA1563942.
Genomic context (GRCh38, chr2:26,477,463, plus strand): 5'-GTTGCGTCCTCACCAGCTCCCTCATGCAGGACTTGAGGCGCTCCCGGTCAAGCCTGGTGC[G>A]GGATGAGTGGCCCTGGTCCTTGTCAGCGAGGGAGAGGAAGCGGCTGGGGGTAGGGCGAGC-3'
Protein context (NP_919224.1, residues 777-797): LADKDQGHSS[Arg787Cys]TRLDRERLKS